The following is an entry in ClinVar:

NM_001458.5(FLNC):c.4904A>T (p.Asp1635Val)

Gene: FLNC (filamin C; plus strand). Cytogenetic location: 7q32.1.
Variant type: single nucleotide variant.
Coding change: c.4904A>T on transcript NM_001458.5 (MANE Select); coding-DNA position 4904, A replaced by T.
Protein change: p.Asp1635Val; replaces aspartic acid 1635 with valine.
Molecular consequence: missense variant.
Genome position (GRCh38, 1-based): chr7:128,848,959, A>T. VCF-style: chr7-128848959-A-T. GRCh37 (hg19) VCF-style: chr7-128489013-A-T.
Other names: c.4904A>T, p.Asp1635Val (NM_001127487.2); short protein forms D1635V.
Identifiers: ClinVar variation 4812426 (VCV004812426.1).
Genomic context (GRCh38, chr7:128,848,959, plus strand): 5'-AGTATGGCGGTGATGAGATCCCCTACTCGCCCTTCCGCATCCATGCTCTGCCCACTGGGG[A>T]TGCCAGCAAGTGCCTCGTCACAGGTGGGTGCCCACCCGCTGCCCGTGCCCTGCTCACCAC-3'
Protein context (NP_001449.3, residues 1625-1645): PFRIHALPTG[Asp1635Val]ASKCLVTVSI

ClinVar aggregate classification (germline): Uncertain significance (1 of 4 stars; one submission).

Conditions:
Hypertrophic cardiomyopathy 26. Also called: Cardiomyopathy, familial hypertrophic, 26. Identifiers: Orphanet 75249, MedGen C4310749, MONDO:0014883, OMIM 617047.
Myofibrillar myopathy 5. Also called: Filaminopathy (type); FILAMINOPATHY, AUTOSOMAL DOMINANT. Identifiers: Orphanet 171445, MedGen C1836050, MONDO:0012289, OMIM 609524.
Distal myopathy with posterior leg and anterior hand involvement. Also called: WILLIAMS DISTAL MYOPATHY. Identifiers: Orphanet 63273, MedGen C3279722, MONDO:0013550, OMIM 614065.

Submission:

Labcorp Genetics (formerly Invitae), Labcorp
Classification: Uncertain significance for Distal myopathy with posterior leg and anterior hand involvement; Myofibrillar myopathy 5; Hypertrophic cardiomyopathy 26. Last evaluated: 2025-11-09. Review status: criteria provided, single submitter. Criteria: Invitae Variant Classification Sherloc (09022015). Collection method: clinical testing. Allele origin: germline.
Comment: This sequence change replaces aspartic acid, which is acidic and polar, with valine, which is neutral and non-polar, at codon 1635 of the FLNC protein (p.Asp1635Val). This variant is not present in population databases (gnomAD no frequency). This variant has not been reported in the literature in individuals affected with FLNC-related conditions. Invitae Evidence Modeling of protein sequence and biophysical properties (such as structural, functional, and spatial information, amino acid conservation, physicochemical variation, residue mobility, and thermodynamic stability) has been performed for this missense variant. However, the output from this modeling did not meet the statistical confidence thresholds required to predict the impact of this variant on FLNC protein function. In summary, the available evidence is currently insufficient to determine the role of this variant in disease. Therefore, it has been classified as a Variant of Uncertain Significance.